The following is an entry in ClinVar:

NM_198506.5(LRIT3):c.272A>G (p.Asn91Ser)

Gene: LRIT3 (leucine rich repeat, Ig-like and transmembrane domains 3; plus strand). Cytogenetic location: 4q25.
Variant type: single nucleotide variant.
Coding change: c.272A>G on transcript NM_198506.5 (MANE Select); coding-DNA position 272, A replaced by G.
Protein change: p.Asn91Ser; replaces asparagine 91 with serine.
Molecular consequence: missense variant.
Genome position (GRCh38, 1-based): chr4:109,851,659, A>G. VCF-style: chr4-109851659-A-G. GRCh37 (hg19) VCF-style: chr4-110772815-A-G.
Other names: c.137A>G (NM_198506.2); short protein forms N91S.
Identifiers: ClinVar variation 936604 (VCV000936604.5), dbSNP rs61742440, ClinGen allele CA103731977.

ClinVar aggregate classification (germline): Uncertain significance. Review status: criteria provided, multiple submitters, no conflicts (2 of 4 stars). 3 submissions from 3 submitters: Uncertain significance (3). Last evaluated 2024-02-05.

Conditions:
Inborn genetic diseases. Identifiers: MedGen C0950123, MeSH D030342.

Allele frequency attached by ClinVar (database versions not stated): gnomAD exomes 0.00001 and 0.00002; gnomAD 0.00002 and 0.00003; TOPMed 0.00009.
gnomAD v4.1: 23 of 1,551,538 alleles (0.0015%); highest among the groups gnomAD compares: Admixed American, 0.012%; no homozygotes.

Submissions (3):

Ambry Genetics
Classification: Uncertain significance for Inborn genetic diseases. Last evaluated: 2024-02-05. Review status: criteria provided, single submitter. Criteria: Ambry Variant Classification Scheme 2023. Collection method: clinical testing. Allele origin: germline.

Blueprint Genetics
Classification: Uncertain significance. Last evaluated: 2023-07-10. Review status: criteria provided, single submitter. Criteria: ACMG Guidelines, 2015. Collection method: clinical testing. Allele origin: germline.

Labcorp Genetics (formerly Invitae), Labcorp
Classification: Uncertain significance. Last evaluated: 2022-10-05. Review status: criteria provided, single submitter. Criteria: Invitae Variant Classification Sherloc (09022015). Collection method: clinical testing. Allele origin: germline.
Comment: This sequence change replaces asparagine, which is neutral and polar, with serine, which is neutral and polar, at codon 91 of the LRIT3 protein (p.Asn91Ser). The frequency data for this variant in the population databases is considered unreliable, as metrics indicate poor data quality at this position in the gnomAD database. This variant has not been reported in the literature in individuals affected with LRIT3-related conditions. ClinVar contains an entry for this variant (Variation ID: 936604). Algorithms developed to predict the effect of missense changes on protein structure and function output the following: SIFT: "Tolerated"; PolyPhen-2: "Possibly Damaging"; Align-GVGD: "Class C0". The serine amino acid residue is found in multiple mammalian species, which suggests that this missense change does not adversely affect protein function. Algorithms developed to predict the effect of sequence changes on RNA splicing suggest that this variant may create or strengthen a splice site. In summary, the available evidence is currently insufficient to determine the role of this variant in disease. Therefore, it has been classified as a Variant of Uncertain Significance.